The following is an entry in ClinVar:

ClinVar aggregate classification (germline): Pathogenic/Likely pathogenic. Review status: criteria provided, multiple submitters, no conflicts (2 of 4 stars). 3 submissions from 3 submitters: Pathogenic (2); Likely pathogenic (1). Last evaluated 2025-12-02.

Conditions:
Glucose-6-phosphate transport defect (GSD1B). Also called: GSD Ib; Glycogen Storage Disease Type Ib. Identifiers: Orphanet 364, Orphanet 79259, MedGen C0268146, MONDO:0009288, OMIM 232220.

Submissions (3):

Natera, Inc.
Classification: Likely pathogenic for Glycogen storage disease type Ib. Last evaluated: 2025-12-02. Review status: criteria provided, single submitter. Criteria: Natera Variant Classification Schema (03/2026). Collection method: clinical testing. Allele origin: germline.
Comment: The c.345dupG variant in SLC37A4 is a frameshift variant predicted to shift the reading frame beginning at codon 116 and leads to a stop codon 15 codons downstream. This variant is expected to result in nonsense mediated decay, truncation, or a dysfunctional protein product. This variant is rare in the general population with a frequency below the threshold expected for the associated phenotype(s). Given the available evidence, this variant is classified as Likely Pathogenic.

Labcorp Genetics (formerly Invitae), Labcorp
Classification: Pathogenic for Glucose-6-phosphate transport defect. Last evaluated: 2024-06-09. Review status: criteria provided, single submitter. Criteria: Invitae Variant Classification Sherloc (09022015). Collection method: clinical testing. Allele origin: germline.
Comment: This sequence change creates a premature translational stop signal (p.Leu116Alafs*15) in the SLC37A4 gene. It is expected to result in an absent or disrupted protein product. Loss-of-function variants in SLC37A4 are known to be pathogenic (PMID: 9758626, 10940311). This variant is present in population databases (rs782604758, gnomAD 0.003%). This variant has not been reported in the literature in individuals affected with SLC37A4-related conditions. ClinVar contains an entry for this variant (Variation ID: 529223). For these reasons, this variant has been classified as Pathogenic.

Baylor Genetics
Classification: Pathogenic for Glucose-6-phosphate transport defect. Last evaluated: 2024-01-17. Review status: criteria provided, single submitter. Criteria: ACMG Guidelines, 2015. Collection method: clinical testing. Allele origin: unknown.

Literature cited by the submitters: PubMed 9758626 (cited by Labcorp Genetics (formerly Invitae), Labcorp); PubMed 10940311 (cited by Labcorp Genetics (formerly Invitae), Labcorp).

NM_001164277.2(SLC37A4):c.345dup (p.Leu116fs)

Gene: SLC37A4 (solute carrier family 37 member 4; minus strand). Cytogenetic location: 11q23.3.
Variant type: Duplication.
Coding change: c.345dup on transcript NM_001164277.2 (MANE Select); coding-DNA position 345, one base duplicated (G; older notation c.345dupG).
Protein change: p.Leu116fs; shifts the reading frame from leucine 116.
Molecular consequence: frameshift variant.
Genome position (GRCh38, 1-based): chr11:119,028,230, C duplicated on the plus strand (G on the coding strand, the reverse complement: SLC37A4 is on the minus strand); the first of 4 consecutive C bases (chr11:119,028,230-119,028,233); duplicating any one gives the same sequence. VCF-style (leftmost placement, unchanged base first): chr11-119028229-G-GC. GRCh37 (hg19) VCF-style: chr11-118898939-G-GC.
Other names: c.345dup, p.Leu116fs (NM_001164278.2, NM_001164280.2, NM_001467.6); c.126dup, p.Leu43fs (NM_001164279.2); c.345dupG (NM_001164277.1); short protein forms L43fs, L116fs.
Identifiers: ClinVar variation 529223 (VCV000529223.11), dbSNP rs782604758, ClinGen allele CA6311859.